The following is an entry in ClinVar:

NM_000548.5(TSC2):c.4414G>A (p.Gly1472Ser)

Gene: TSC2 (TSC complex subunit 2; plus strand). Cytogenetic location: 16p13.3.
Variant type: single nucleotide variant.
Coding change: c.4414G>A on transcript NM_000548.5 (MANE Select); coding-DNA position 4414, G replaced by A.
Protein change: p.Gly1472Ser; replaces glycine 1472 with serine.
Molecular consequence: missense variant.
Genome position (GRCh38, 1-based): chr16:2,084,636, G>A. VCF-style: chr16-2084636-G-A. GRCh37 (hg19) VCF-style: chr16-2134637-G-A.
Other names: c.4213G>A, p.Gly1405Ser (NM_001077183.3); c.4345G>A, p.Gly1449Ser (NM_001114382.3); c.4105G>A, p.Gly1369Ser (NM_001318827.2); c.4069G>A, p.Gly1357Ser (NM_001318829.2); c.3682G>A, p.Gly1228Ser (NM_001318831.2); c.4246G>A, p.Gly1416Ser (NM_001318832.2); c.4216G>A, p.Gly1406Ser (NM_001363528.2); c.4282G>A, p.Gly1428Ser (NM_001370404.1); and 1 more; short protein forms G1472S, G1357S, G1369S, G1416S, G1429S, G1449S, G1428S, G1228S.
Identifiers: ClinVar variation 405951 (VCV000405951.25), dbSNP rs558737770, ClinGen allele CA051085.

ClinVar aggregate classification (germline): Conflicting classifications of pathogenicity. Review status: criteria provided, conflicting classifications (1 of 4 stars). 9 submissions from 9 submitters: Uncertain significance (4); Likely benign (5). Last evaluated 2026-01-18.

Conditions:
Hereditary cancer-predisposing syndrome. Also called: Tumor predisposition; Neoplastic Syndromes, Hereditary; Hereditary Cancer Syndrome; Hereditary neoplastic syndrome. Identifiers: Orphanet 140162, MedGen C0027672, MeSH D009386, MONDO:0015356.
Tuberous sclerosis syndrome (TSC). Also called: Tuberous Sclerosis Complex; Tuberous sclerosis. Identifiers: Orphanet 805, MedGen C0041341, MONDO:0001734.
Tuberous sclerosis 2 (TSC2). Identifiers: Orphanet 805, MedGen C1860707, MONDO:0013199, OMIM 613254.

Allele frequency attached by ClinVar (database versions not stated): gnomAD 0.00001; TOPMed 0.00001; gnomAD exomes 0.00002 and 0.00003; ExAC 0.00004; 1000 Genomes Project 30x 0.00016; 1000 Genomes Project 0.00020.
gnomAD v4.1: 29 of 1,600,312 alleles (0.0018%); highest among the groups gnomAD compares: South Asian, 0.02%; no homozygotes.

Submissions (9):

Labcorp Genetics (formerly Invitae), Labcorp
Classification: Likely benign for Tuberous sclerosis 2. Last evaluated: 2026-01-18. Review status: criteria provided, single submitter. Criteria: Invitae Variant Classification Sherloc (09022015). Collection method: clinical testing. Allele origin: germline.

All of Us Research Program, National Institutes of Health
Classification: Uncertain significance for Tuberous sclerosis syndrome. Last evaluated: 2024-09-23. Review status: criteria provided, single submitter. Criteria: ACMG Guidelines, 2015. Collection method: clinical testing. Allele origin: germline. Inheritance: Autosomal dominant inheritance. Observed: 10 variant alleles, 10 heterozygotes.
Comment: This missense variant replaces glycine with serine at codon 1472 of the TSC2 protein. Computational prediction is inconclusive regarding the impact of this variant on protein structure and function (internally defined REVEL score threshold 0.5 < inconclusive < 0.7, PMID: 27666373). To our knowledge, functional studies have not been reported for this variant. This variant has not been reported in individuals affected with TSC2-related disorders in the literature. This variant has been identified in 7/238162 chromosomes in the general population by the Genome Aggregation Database (gnomAD). The available evidence is insufficient to determine the role of this variant in disease conclusively. Therefore, this variant is classified as a Variant of Uncertain Significance.

This study involves interpretation of variants in research participants for the purpose of population health screening. Participant phenotype was not available at the time of variant classification. Additional details can be found in publication PMID: 35346344, PMCID: PMC8962531

Myriad Genetics, Inc.
Classification: Likely benign for Tuberous sclerosis 2. Last evaluated: 2024-08-06. Review status: criteria provided, single submitter. Criteria: Myriad Autosomal Dominant, Autosomal Recessive and X-Linked Classification Criteria (2023). Collection method: clinical testing. Allele origin: unknown.
Comment: This variant is considered likely benign. This variant has been observed at a population frequency that is significantly greater than expected given the associated disease prevalence and penetrance.

Color Diagnostics, LLC DBA Color Health
Classification: Uncertain significance for Tuberous sclerosis syndrome. Last evaluated: 2024-07-31. Review status: criteria provided, single submitter. Criteria: ACMG Guidelines, 2015. Collection method: clinical testing. Allele origin: germline.
Comment: This missense variant replaces glycine with serine at codon 1472 of the TSC2 protein. Computational prediction is inconclusive regarding the impact of this variant on protein structure and function. To our knowledge, functional studies have not been reported for this variant. This variant has not been reported in individuals affected with TSC2-related disorders in the literature. This variant has been identified in 7/238162 chromosomes in the general population by the Genome Aggregation Database (gnomAD). The available evidence is insufficient to determine the role of this variant in disease conclusively. Therefore, this variant is classified as a Variant of Uncertain Significance.

Quest Diagnostics Nichols Institute San Juan Capistrano
Classification: Uncertain significance. Last evaluated: 2024-04-29. Review status: criteria provided, single submitter. Criteria: Quest Diagnostics criteria. Collection method: clinical testing. Allele origin: unknown.

Ambry Genetics
Classification: Likely benign for Hereditary cancer-predisposing syndrome. Last evaluated: 2022-06-27. Review status: criteria provided, single submitter. Criteria: Ambry Variant Classification Scheme 2023. Collection method: clinical testing. Allele origin: germline.

Sema4
Classification: Uncertain significance for Hereditary cancer-predisposing syndrome. Last evaluated: 2022-03-16. Review status: criteria provided, single submitter. Criteria: Sema4 Curation Guidelines. Collection method: curation. Allele origin: germline.
Comment: The TSC2 c.4414G>A (p.G1472S) variant has not been reported in the literature to our knowledge. It was observed in 5/30546 chromosomes of the South Asian subpopulation in the large and broad cohorts of the Genome Aggregation Database. The variant has been reported in ClinVar (Variation ID 405951). Computational analyses and evolutionary conservation data do not provide strong support for or against an impact to the protein, however these predictions have not been confirmed by published functional studies. The evidence is insufficient to meet ACMG/AMP criteria for classifying the variant as benign or pathogenic. Thus, the clinical significance of this variant is currently uncertain.

Genome-Nilou Lab
Classification: Likely benign for Tuberous sclerosis 2. Last evaluated: 2021-11-07. Review status: criteria provided, single submitter. Criteria: ACMG Guidelines, 2015. Collection method: clinical testing. Allele origin: germline. Affected: no.

GeneDx
Classification: Likely benign. Last evaluated: 2018-04-19. Review status: criteria provided, single submitter. Criteria: GeneDx Variant Classification (06012015). Collection method: clinical testing. Allele origin: germline. Affected: yes.
Comment: This variant is considered likely benign or benign based on one or more of the following criteria: it is a conservative change, it occurs at a poorly conserved position in the protein, it is predicted to be benign by multiple in silico algorithms, and/or has population frequency not consistent with disease.